The following is an entry in ClinVar:

ClinVar aggregate classification (germline): Conflicting classifications of pathogenicity. Review status: criteria provided, conflicting classifications (1 of 4 stars). 2 submissions from 2 submitters: Uncertain significance (1); Likely benign (1). Last evaluated 2026-05-29.

Conditions:
Long QT syndrome (LQTS). Identifiers: MedGen C0023976, MeSH D008133, MONDO:0002442. Disease mechanism: loss of function. Inheritance: Various modes of inheritance.
Cardiovascular phenotype. Identifiers: MedGen CN230736.

Allele frequency attached by ClinVar (database versions not stated): gnomAD 0.00001; gnomAD exomes 0.00001.
gnomAD v4.1: 9 of 1,610,744 alleles (0.00056%); highest among the groups gnomAD compares: Non-Finnish European, 0.00068%; no homozygotes.

Submissions (2):

Ambry Genetics
Classification: Likely benign for Cardiovascular phenotype. Last evaluated: 2026-05-29. Review status: criteria provided, single submitter. Criteria: Ambry Variant Classification Scheme 2023. Collection method: clinical testing. Allele origin: germline.

Labcorp Genetics (formerly Invitae), Labcorp
Classification: Uncertain significance for Long QT syndrome. Last evaluated: 2024-07-27. Review status: criteria provided, single submitter. Criteria: Invitae Variant Classification Sherloc (09022015). Collection method: clinical testing. Allele origin: germline.
Comment: This sequence change replaces lysine, which is basic and polar, with arginine, which is basic and polar, at codon 1526 of the AKAP9 protein (p.Lys1526Arg). This variant is present in population databases (no rsID available, gnomAD 0.002%). This variant has not been reported in the literature in individuals affected with AKAP9-related conditions. ClinVar contains an entry for this variant (Variation ID: 1741598). An algorithm developed to predict the effect of missense changes on protein structure and function outputs the following: PolyPhen-2: "Benign". The arginine amino acid residue is found in multiple mammalian species, which suggests that this missense change does not adversely affect protein function. In summary, the available evidence is currently insufficient to determine the role of this variant in disease. Therefore, it has been classified as a Variant of Uncertain Significance.

NM_005751.5(AKAP9):c.4577A>G (p.Lys1526Arg)

Gene: AKAP9 (A-kinase anchoring protein 9; plus strand). Cytogenetic location: 7q21.2.
Variant type: single nucleotide variant.
Coding change: c.4577A>G on transcript NM_005751.5 (MANE Select); coding-DNA position 4577, A replaced by G.
Protein change: p.Lys1526Arg; replaces lysine 1526 with arginine.
Molecular consequence: missense variant.
Genome position (GRCh38, 1-based): chr7:92,038,657, A>G. VCF-style: chr7-92038657-A-G. GRCh37 (hg19) VCF-style: chr7-91667971-A-G.
Other names: c.4577A>G, p.Lys1526Arg (NM_147185.3); short protein forms K1526R.
Identifiers: ClinVar variation 1741598 (VCV001741598.5), dbSNP rs1383050508, ClinGen allele CA368129080.